The following is an entry in ClinVar:

NM_014423.4(AFF4):c.316A>G (p.Ser106Gly)

Gene: AFF4 (ALF transcription elongation factor 4; minus strand). Cytogenetic location: 5q31.1.
Variant type: single nucleotide variant.
Coding change: c.316A>G on transcript NM_014423.4 (MANE Select); coding-DNA position 316, A replaced by G.
Protein change: p.Ser106Gly; replaces serine 106 with glycine.
Molecular consequence: missense variant.
Genome position (GRCh38, 1-based): chr5:132,934,749, T>C on the plus strand (A>G on the coding strand, the complement: AFF4 is on the minus strand). VCF-style: chr5-132934749-T-C. GRCh37 (hg19) VCF-style: chr5-132270441-T-C.
Other names: short protein forms S106G.
Identifiers: ClinVar variation 1473674 (VCV001473674.8), dbSNP rs1001396258, ClinGen allele CA127295441.

ClinVar aggregate classification (germline): Uncertain significance (1 of 4 stars; one submission).

Conditions:
Cognitive impairment - coarse facies - heart defects - obesity - pulmonary involvement - short stature - skeletal dysplasia syndrome. Also called: COGNITIVE IMPAIRMENT, COARSE FACIES, HEART DEFECTS, OBESITY, PULMONARY INVOLVEMENT, SHORT STATURE, AND SKELETAL DYSPLASIA; Chops syndrome; AFF4-Related CHOPS Syndrome. Identifiers: Orphanet 444077, MedGen C4085597, MONDO:0014609, OMIM 616368.

Submission:

Labcorp Genetics (formerly Invitae), Labcorp
Classification: Uncertain significance for Cognitive impairment - coarse facies - heart defects - obesity - pulmonary involvement - short stature - skeletal dysplasia syndrome. Last evaluated: 2021-05-28. Review status: criteria provided, single submitter. Criteria: Invitae Variant Classification Sherloc (09022015). Collection method: clinical testing. Allele origin: germline.
Comment: In summary, the available evidence is currently insufficient to determine the role of this variant in disease. Therefore, it has been classified as a Variant of Uncertain Significance. Algorithms developed to predict the effect of missense changes on protein structure and function (SIFT, PolyPhen-2, Align-GVGD) all suggest that this variant is likely to be tolerated, but these predictions have not been confirmed by published functional studies and their clinical significance is uncertain. This variant has not been reported in the literature in individuals with AFF4-related conditions. This variant is not present in population databases (ExAC no frequency). This sequence change replaces serine with glycine at codon 106 of the AFF4 protein (p.Ser106Gly). The serine residue is moderately conserved and there is a small physicochemical difference between serine and glycine.